The following is an entry in ClinVar:

NM_004360.5(CDH1):c.456G>C (p.Gln152His)

Gene: CDH1 (cadherin 1; plus strand). Cytogenetic location: 16q22.1.
Variant type: single nucleotide variant.
Coding change: c.456G>C on transcript NM_004360.5 (MANE Select); coding-DNA position 456, G replaced by C.
Protein change: p.Gln152His; replaces glutamine 152 with histidine.
Molecular consequence: missense variant. On other transcripts: 5 prime UTR variant (2).
Genome position (GRCh38, 1-based): chr16:68,808,492, G>C. VCF-style: chr16-68808492-G-C. GRCh37 (hg19) VCF-style: chr16-68842395-G-C.
Other names: c.456G>C (LRG_301t1); c.456G>C, p.Gln152His (NM_001317184.2); c.-1160G>C (NM_001317185.2); c.-1364G>C (NM_001317186.2); short protein forms Q152H.
Identifiers: ClinVar variation 187327 (VCV000187327.14), dbSNP rs745589555, ClinGen allele CA197362.

ClinVar aggregate classification (germline): Uncertain significance. Review status: criteria provided, multiple submitters, no conflicts (2 of 4 stars). 3 submissions from 3 submitters: Uncertain significance (3). Last evaluated 2025-06-25.

Conditions:
Hereditary cancer-predisposing syndrome. Also called: Hereditary Cancer Syndrome; Neoplastic Syndromes, Hereditary; Tumor predisposition; Hereditary neoplastic syndrome. Identifiers: Orphanet 140162, MedGen C0027672, MeSH D009386, MONDO:0015356.
Hereditary diffuse gastric adenocarcinoma (HDGC). Also called: DIFFUSE GASTRIC AND LOBULAR BREAST CANCER SYNDROME. Identifiers: Orphanet 26106, MedGen C1708349, MONDO:0007648, OMIM 137215.

Allele frequency attached by ClinVar (database versions not stated): TOPMed below 0.00001; ExAC 0.00001; gnomAD 0.00001; gnomAD exomes 0.00001.
gnomAD v4.1: 5 of 1,614,042 alleles (0.00031%); highest among the groups gnomAD compares: East Asian, 0.011%; no homozygotes.

Submissions (3):

Labcorp Genetics (formerly Invitae), Labcorp
Classification: Uncertain significance for Hereditary diffuse gastric adenocarcinoma. Last evaluated: 2025-06-25. Review status: criteria provided, single submitter. Criteria: Invitae Variant Classification Sherloc (09022015). Collection method: clinical testing. Allele origin: germline.
Comment: This sequence change replaces glutamine, which is neutral and polar, with histidine, which is basic and polar, at codon 152 of the CDH1 protein (p.Gln152His). This variant is present in population databases (rs745589555, gnomAD 0.02%). This missense change has been observed in individual(s) with breast cancer (PMID: 30287823). ClinVar contains an entry for this variant (Variation ID: 187327). An algorithm developed to predict the effect of missense changes on protein structure and function (PolyPhen-2) suggests that this variant is likely to be disruptive. In summary, the available evidence is currently insufficient to determine the role of this variant in disease. Therefore, it has been classified as a Variant of Uncertain Significance.

Ambry Genetics
Classification: Uncertain significance for Hereditary cancer-predisposing syndrome. Last evaluated: 2024-10-04. Review status: criteria provided, single submitter. Criteria: Ambry Variant Classification Scheme 2023. Collection method: clinical testing. Allele origin: germline.
Comment: The p.Q152H variant (also known as c.456G>C), located in coding exon 4 of the CDH1 gene, results from a G to C substitution at nucleotide position 456. The glutamine at codon 152 is replaced by histidine, an amino acid with highly similar properties. This alteration has been reported with a carrier frequency of 0.00043 in 7051 unselected breast cancer patients and 0.000 in 11241 female controls of Japanese ancestry (Momozawa Y et al. Nat Commun, 2018 10;9:4083). This amino acid position is not well conserved in available vertebrate species. In addition, this alteration is predicted to be tolerated by in silico analysis. Based on the available evidence, the clinical significance of this variant remains unclear.

GeneDx
Classification: Uncertain significance. Last evaluated: 2019-04-30. Review status: criteria provided, single submitter. Criteria: GeneDx Variant Classification Process June 2021. Collection method: clinical testing. Allele origin: germline. Affected: yes.
Comment: Not observed at a significant frequency in large population cohorts (Lek et al., 2016); In silico analysis, which includes protein predictors and evolutionary conservation, supports a deleterious effect; This variant is associated with the following publications: (PMID: 30287823)

Literature cited by the submitters: PubMed 30287823 (cited by Labcorp Genetics (formerly Invitae), Labcorp and Ambry Genetics).